The following is an entry in ClinVar:

ClinVar aggregate classification (germline): Uncertain significance. Review status: criteria provided, multiple submitters, no conflicts (2 of 4 stars). 2 submissions from 2 submitters: Uncertain significance (2). Last evaluated 2025-05-05.

Conditions:
Rhabdoid tumor predisposition syndrome 2 (RTPS2). Identifiers: Orphanet 231108, Orphanet 69077, MedGen C2750074, MONDO:0013224, OMIM 613325.
Hereditary cancer-predisposing syndrome. Also called: Tumor predisposition; Hereditary neoplastic syndrome; Hereditary Cancer Syndrome; Neoplastic Syndromes, Hereditary. Identifiers: Orphanet 140162, MedGen C0027672, MeSH D009386, MONDO:0015356.

Submissions (2):

Ambry Genetics
Classification: Uncertain significance for Hereditary cancer-predisposing syndrome. Last evaluated: 2025-05-05. Review status: criteria provided, single submitter. Criteria: Ambry Variant Classification Scheme 2023. Collection method: clinical testing. Allele origin: germline.
Comment: The p.K82N variant (also known as c.246G>C), located in coding exon 2 of the SMARCA4 gene, results from a G to C substitution at nucleotide position 246. The lysine at codon 82 is replaced by asparagine, an amino acid with similar properties. This amino acid position is conserved. In addition, the in silico prediction for this alteration is inconclusive. Based on the available evidence, the clinical significance of this variant remains unclear.

Labcorp Genetics (formerly Invitae), Labcorp
Classification: Uncertain significance for Rhabdoid tumor predisposition syndrome 2. Last evaluated: 2025-03-19. Review status: criteria provided, single submitter. Criteria: Invitae Variant Classification Sherloc (09022015). Collection method: clinical testing. Allele origin: germline.
Comment: This sequence change replaces lysine, which is basic and polar, with asparagine, which is neutral and polar, at codon 82 of the SMARCA4 protein (p.Lys82Asn). This variant is not present in population databases (gnomAD no frequency). This variant has not been reported in the literature in individuals affected with SMARCA4-related conditions. Invitae Evidence Modeling of protein sequence and biophysical properties (such as structural, functional, and spatial information, amino acid conservation, physicochemical variation, residue mobility, and thermodynamic stability) indicates that this missense variant is not expected to disrupt SMARCA4 protein function with a negative predictive value of 95%. In summary, the available evidence is currently insufficient to determine the role of this variant in disease. Therefore, it has been classified as a Variant of Uncertain Significance.

NM_003072.5(SMARCA4):c.246G>C (p.Lys82Asn)

Gene: SMARCA4 (SWI/SNF related BAF chromatin remodeling complex subunit ATPase 4; plus strand). Cytogenetic location: 19p13.2.
Variant type: single nucleotide variant.
Coding change: c.246G>C on transcript NM_003072.5 (MANE Select); coding-DNA position 246, G replaced by C.
Protein change: p.Lys82Asn; replaces lysine 82 with asparagine.
Molecular consequence: missense variant. On other transcripts: non-coding transcript variant (1).
Genome position (GRCh38, 1-based): chr19:10,985,296, G>C. VCF-style: chr19-10985296-G-C. GRCh37 (hg19) VCF-style: chr19-11095972-G-C.
Other names: c.246G>C, p.Lys82Asn (NM_001128844.3, NM_001128845.2, NM_001128846.2 and 6 more transcripts); short protein forms K82N.
Identifiers: ClinVar variation 3958454 (VCV003958454.2).